The following is an entry in ClinVar:

ClinVar aggregate classification (germline): Conflicting classifications of pathogenicity. Review status: criteria provided, conflicting classifications (1 of 4 stars). 4 submissions from 4 submitters: Uncertain significance (1); Benign (1); Likely benign (2). Last evaluated 2025-12-15.

Conditions:
Cone-rod dystrophy 7 (CORD7). Identifiers: Orphanet 1872, MedGen C1863634, MONDO:0011355, OMIM 603649.

Allele frequency attached by ClinVar (database versions not stated): gnomAD exomes 0.00009 and 0.00024; TOPMed 0.00013; gnomAD 0.00016 and 0.00017; ExAC 0.00023; ESP Exome Variant Server 0.00025.
gnomAD v4.1: 159 of 1,605,586 alleles (0.0099%); highest among the groups gnomAD compares: Non-Finnish European, 0.002%; no homozygotes.

Submissions (4):

Labcorp Genetics (formerly Invitae), Labcorp
Classification: Benign. Last evaluated: 2025-12-15. Review status: criteria provided, single submitter. Criteria: Invitae Variant Classification Sherloc (09022015). Collection method: clinical testing. Allele origin: germline.

Blueprint Genetics
Classification: Likely benign. Last evaluated: 2024-11-11. Review status: criteria provided, single submitter. Criteria: ACMG Guidelines, 2015. Collection method: clinical testing. Allele origin: germline.

Illumina Laboratory Services, Illumina
Classification: Likely benign for Cone-rod dystrophy 7. Last evaluated: 2018-01-12. Review status: criteria provided, single submitter. Criteria: ICSL Variant Classification Criteria 13 December 2019. Collection method: clinical testing. Allele origin: germline.
Comment: This variant was observed in the ICSL laboratory as part of a predisposition screen in an ostensibly healthy population. It had not been previously curated by ICSL or reported in the Human Gene Mutation Database (HGMD: prior to June 1st, 2018), and was therefore a candidate for classification through an automated scoring system. Utilizing variant allele frequency, disease prevalence and penetrance estimates, and inheritance mode, an automated score was calculated to assess if this variant is too frequent to cause the disease. Based on the score and internal cut-off values, a variant classified as likely benign is not then subjected to further curation. The score for this variant resulted in a classification of likely benign for this disease.

Eurofins Ntd Llc (ga)
Classification: Uncertain significance. Last evaluated: 2016-11-01. Review status: criteria provided, single submitter. Criteria: EGL Classification Definitions 2015. Collection method: clinical testing. Allele origin: germline. Observed: 1 variant allele, 1 heterozygote.

NM_014989.7(RIMS1):c.3399-4A>G

Gene: RIMS1 (regulating synaptic membrane exocytosis 1; plus strand). Cytogenetic location: 6q13.
Variant type: single nucleotide variant.
Coding change: c.3399-4A>G on transcript NM_014989.7 (MANE Select); 4 bases into the intron before coding-DNA position 3399, A replaced by G.
Molecular consequence: intron variant.
Genome position (GRCh38, 1-based): chr6:72,274,345, A>G. VCF-style: chr6-72274345-A-G. GRCh37 (hg19) VCF-style: chr6-72984048-A-G.
Other names: c.1559+8296A>G (NM_001350428.2, NM_001350459.2, NM_001350424.2 and 1 more transcripts); c.1557-4A>G (NM_001350437.2); c.1556+8296A>G (NM_001350430.2, NM_001350421.2, NM_001350450.2); c.1706+8296A>G (NM_001350458.2); c.1629-4A>G (NM_001350433.2); c.1628+8296A>G (NM_001350446.2, NM_001350442.2, NM_001350416.2 and 7 more transcripts); c.1539-9702A>G (NM_001350431.2); c.1565+8296A>G (NM_001350457.2); and 20 more.
Identifiers: ClinVar variation 357851 (VCV000357851.22), dbSNP rs368216570, ClinGen allele CA3886233.